The following is an entry in ClinVar:

ClinVar aggregate classification (germline): Pathogenic. Review status: criteria provided, multiple submitters, no conflicts (2 of 4 stars). 2 submissions from 2 submitters: Pathogenic (2). Last evaluated 2025-12-17.

Conditions:
Familial thoracic aortic aneurysm and aortic dissection (TAAD). Also called: Thoracic aortic aneurysms and dissections. Identifiers: Orphanet 91387, MedGen C4707243, MONDO:0019625.
Marfan syndrome (MFS). Also called: FBN1-Related Marfan Syndrome; Marfan syndrome type 1; Marfan's syndrome; Marfan syndrome, classic; MARFAN SYNDROME, TYPE I. Identifiers: Orphanet 284963, Orphanet 558, MedGen C0024796, MONDO:0007947, OMIM 154700.

Submissions (2):

Ambry Genetics
Classification: Pathogenic for Familial thoracic aortic aneurysm and aortic dissection. Last evaluated: 2025-12-17. Review status: criteria provided, single submitter. Criteria: Ambry Variant Classification Scheme 2023. Collection method: clinical testing. Allele origin: germline.
Comment: The p.G2555V pathogenic mutation (also known as c.7664G>T), located in coding exon 61 of the FBN1 gene, results from a G to T substitution at nucleotide position 7664. The glycine at codon 2555 is replaced by valine, an amino acid with dissimilar properties. This alteration has been reported in individuals with a suspected diagnosis of Marfan syndrome, including as a de novo occurrence (Comeglio P et al. Hum Mutat, 2007 Sep;28:928; Stheneur C et al. Eur J Hum Genet, 2009 Sep;17:1121-8; Robinson DO et al. Clin Genet, 2012 Sep;82:223-31; Invitae pers. comm.). This variant is considered to be rare based on population cohorts in the Genome Aggregation Database (gnomAD). This amino acid position is highly conserved in available vertebrate species. In addition, this alteration is predicted to be deleterious by BayesDel in silico analysis. Based on the supporting evidence, this alteration is interpreted as a disease-causing mutation.

Labcorp Genetics (formerly Invitae), Labcorp
Classification: Pathogenic for Marfan syndrome; Familial thoracic aortic aneurysm and aortic dissection. Last evaluated: 2018-07-25. Review status: criteria provided, single submitter. Criteria: Invitae Variant Classification Sherloc (09022015). Collection method: clinical testing. Allele origin: germline.
Comment: For these reasons, this variant has been classified as Pathogenic. This sequence change replaces glycine with valine at codon 2555 of the FBN1 protein (p.Gly2555Val). The glycine residue is highly conserved and there is a moderate physicochemical difference between glycine and valine. This variant is not present in population databases (ExAC no frequency). This variant has been observed to be de novo in an individual affected with Marfan syndrome (PMID: 19293843) and has been observed in two other individuals with Marfan syndrome (PMID: 17657824, 21895641). Algorithms developed to predict the effect of missense changes on protein structure and function are either unavailable or do not agree on the potential impact of this missense change (SIFT: "Deleterious"; PolyPhen-2: "Probably Damaging"; Align-GVGD: "Class C0"). The observation of one or more missense substitutions at this codon (p.Gly2555Arg and p.Gly2555Val) in affected individuals suggests that this may be a clinically significant residue (PMID: 17657824, 19293843, 28973303).

Literature cited by the submitters: PubMed 17657824 (cited by Ambry Genetics and Labcorp Genetics (formerly Invitae), Labcorp); PubMed 19293843 (cited by Ambry Genetics and Labcorp Genetics (formerly Invitae), Labcorp); PubMed 21895641 (cited by Ambry Genetics and Labcorp Genetics (formerly Invitae), Labcorp); PubMed 34916231 (cited by Ambry Genetics); PubMed 37042257 (cited by Ambry Genetics); PubMed 28973303 (cited by Labcorp Genetics (formerly Invitae), Labcorp).

NM_000138.5(FBN1):c.7664G>T (p.Gly2555Val)

Gene: FBN1 (fibrillin 1; minus strand). Cytogenetic location: 15q21.1.
Variant type: single nucleotide variant.
Coding change: c.7664G>T on transcript NM_000138.5 (MANE Select); coding-DNA position 7664, G replaced by T.
Protein change: p.Gly2555Val; replaces glycine 2555 with valine.
Molecular consequence: missense variant.
Genome position (GRCh38, 1-based): chr15:48,421,593, C>A on the plus strand (G>T on the coding strand, the complement: FBN1 is on the minus strand). VCF-style: chr15-48421593-C-A. GRCh37 (hg19) VCF-style: chr15-48713790-C-A.
Other names: short protein forms G2555V.
Identifiers: ClinVar variation 572714 (VCV000572714.11), dbSNP rs1566891654, ClinGen allele CA392325059.